The following is an entry in ClinVar:

ClinVar aggregate classification (germline): Benign (0 of 4 stars; one submission).

Conditions:
GPR75-related disorder. Also called: GPR75-related condition.

Allele frequency attached by ClinVar (database versions not stated): 1000 Genomes Project 30x 0.01593; 1000 Genomes Project 0.01637; gnomAD 0.02196; TOPMed 0.02355; ESP Exome Variant Server 0.02407; ExAC 0.02491; gnomAD exomes 0.03116.
gnomAD v4.1: 48,906 of 1,613,910 alleles (3%); highest among the groups gnomAD compares: Middle Eastern, 5.8%; 894 homozygotes.

Submission:

PreventionGenetics, part of Exact Sciences
Classification: Benign for GPR75-related condition. Last evaluated: 2019-07-11. Review status: no assertion criteria provided. Collection method: clinical testing. Allele origin: germline.
Comment: This variant is classified as benign based on ACMG/AMP sequence variant interpretation guidelines (Richards et al. 2015 PMID: 25741868, with internal and published modifications).

NM_006794.4(GPR75):c.346G>A (p.Ala116Thr)

Genes: GPR75 (G protein-coupled receptor 75; minus strand), GPR75-ASB3 (GPR75-ASB3 readthrough; minus strand). Cytogenetic location: 2p16.2.
Variant type: single nucleotide variant.
Coding change: c.346G>A on transcript NM_006794.4 (MANE Select); coding-DNA position 346, G replaced by A.
Protein change: p.Ala116Thr; replaces alanine 116 with threonine.
Molecular consequence: missense variant. On other transcripts: intron variant (1).
Genome position (GRCh38, 1-based): chr2:53,854,411, C>T on the plus strand (G>A on the coding strand, the complement: GPR75 is on the minus strand). VCF-style: chr2-53854411-C-T. GRCh37 (hg19) VCF-style: chr2-54081548-C-T.
Other names: c.101+5417G>A (NM_001164165.2); short protein forms A116T.
Identifiers: ClinVar variation 3055543 (VCV003055543.2), dbSNP rs34000641, ClinGen allele CA1657142.